The following is an entry in ClinVar:

NM_004656.4(BAP1):c.1886C>T (p.Pro629Leu)

Gene: BAP1 (BRCA1 associated deubiquitinase 1; minus strand). Cytogenetic location: 3p21.1.
Variant type: single nucleotide variant.
Coding change: c.1886C>T on transcript NM_004656.4 (MANE Select); coding-DNA position 1886, C replaced by T.
Protein change: p.Pro629Leu; replaces proline 629 with leucine.
Molecular consequence: missense variant.
Genome position (GRCh38, 1-based): chr3:52,403,142, G>A on the plus strand (C>T on the coding strand, the complement: BAP1 is on the minus strand). VCF-style: chr3-52403142-G-A. GRCh37 (hg19) VCF-style: chr3-52437158-G-A.
Other names: c.1832C>T, p.Pro611Leu (NM_001410772.1); short protein forms P629L, P611L.
Identifiers: ClinVar variation 3701136 (VCV003701136.3).
Genomic context (GRCh38, chr3:52,403,142, plus strand): 5'-AGCTCAGGCCTTACCCTCTGCCAGGATTAAAGGAGAAAACCACAACGGAGGCTCACCTTG[G>A]GTGAGTATTTCTCCCCACTCAAGGGCTCGCCAGGCCTCACCATCCCCGTCTTCTCTCTGC-3'
Protein context (NP_004647.1, residues 619-639): GEPLSGEKYS[Pro629Leu]KELLALLKCV

ClinVar aggregate classification (germline): Uncertain significance. Review status: criteria provided, multiple submitters, no conflicts (2 of 4 stars). 2 submissions from 2 submitters: Uncertain significance (2). Last evaluated 2025-11-17.

Conditions:
BAP1-related tumor predisposition syndrome (TPDS1). Also called: COMMON Syndrome; TUMOR PREDISPOSITION SYNDROME 1; Tumor susceptibility linked to germline BAP1 mutations; BAP1 tumor predisposition syndrome. Identifiers: Orphanet 289539, MedGen C3280492, MONDO:0013692, OMIM 614327.
Hereditary cancer-predisposing syndrome. Also called: Tumor predisposition; Neoplastic Syndromes, Hereditary; Hereditary Cancer Syndrome; Hereditary neoplastic syndrome. Identifiers: Orphanet 140162, MedGen C0027672, MeSH D009386, MONDO:0015356.

gnomAD v4.1: 2 of 1,613,330 alleles (0.00012%); highest among the groups gnomAD compares: Non-Finnish European, 0.00017%; no homozygotes.

Submissions (2):

Labcorp Genetics (formerly Invitae), Labcorp
Classification: Uncertain significance for BAP1-related tumor predisposition syndrome. Last evaluated: 2025-11-17. Review status: criteria provided, single submitter. Criteria: Invitae Variant Classification Sherloc (09022015). Collection method: clinical testing. Allele origin: germline.
Comment: This sequence change replaces proline, which is neutral and non-polar, with leucine, which is neutral and non-polar, at codon 629 of the BAP1 protein (p.Pro629Leu). This variant is present in population databases (no rsID available, gnomAD 0.0009%). This variant has not been reported in the literature in individuals affected with BAP1-related conditions. ClinVar contains an entry for this variant (Variation ID: 3701136). Invitae Evidence Modeling of protein sequence and biophysical properties (such as structural, functional, and spatial information, amino acid conservation, physicochemical variation, residue mobility, and thermodynamic stability) has been performed for this missense variant. However, the output from this modeling did not meet the statistical confidence thresholds required to predict the impact of this variant on BAP1 protein function. In summary, the available evidence is currently insufficient to determine the role of this variant in disease. Therefore, it has been classified as a Variant of Uncertain Significance.

Ambry Genetics
Classification: Uncertain significance for Hereditary cancer-predisposing syndrome. Last evaluated: 2025-06-21. Review status: criteria provided, single submitter. Criteria: Ambry Variant Classification Scheme 2023. Collection method: clinical testing. Allele origin: germline.
Comment: The p.P629L variant (also known as c.1886C>T), located in coding exon 14 of the BAP1 gene, results from a C to T substitution at nucleotide position 1886. The proline at codon 629 is replaced by leucine, an amino acid with similar properties. This amino acid position is conserved. In addition, this alteration is predicted to be deleterious by in silico analysis. Based on the available evidence, the clinical significance of this variant remains unclear.